The following is an entry in ClinVar:

ClinVar aggregate classification (germline): Likely benign (1 of 4 stars; one submission).

Allele frequency attached by ClinVar (database versions not stated): gnomAD exomes below 0.00001; ExAC 0.00001; gnomAD 0.00001.
gnomAD v4.1: 5 of 1,612,986 alleles (0.00031%); highest among the groups gnomAD compares: Non-Finnish European, 0.00042%; no homozygotes.

Submission:

CeGaT Center for Human Genetics Tuebingen
Classification: Likely benign. Last evaluated: 2024-01-01. Review status: criteria provided, single submitter. Criteria: CeGaT Center For Human Genetics Tuebingen Variant Classification Criteria Version 2. Collection method: clinical testing. Allele origin: germline. Affected: yes. Observed: 1 variant allele.
Comment: TACO1: BP4, BP7

NM_016360.4(TACO1):c.252C>G (p.Leu84=)

Gene: TACO1 (translational activator of cytochrome c oxidase I; plus strand). Cytogenetic location: 17q23.3.
Variant type: single nucleotide variant.
Coding change: c.252C>G on transcript NM_016360.4 (MANE Select); coding-DNA position 252, C replaced by G.
Protein change: p.Leu84=; no amino-acid change (leucine 84 retained).
Molecular consequence: synonymous variant.
Genome position (GRCh38, 1-based): chr17:63,601,335, C>G. VCF-style: chr17-63601335-C-G. GRCh37 (hg19) VCF-style: chr17-61678694-C-G.
Identifiers: ClinVar variation 3026149 (VCV003026149.22), dbSNP rs773854705, ClinGen allele CA8702059.